The following is an entry in ClinVar:

ClinVar aggregate classification (germline): Conflicting classifications of pathogenicity. Review status: criteria provided, conflicting classifications (1 of 4 stars). 4 submissions from 4 submitters: Likely pathogenic (2); Uncertain significance (1). 1 of the submissions does not count toward it. Last evaluated 2025-12-01.

Conditions:
Familial thoracic aortic aneurysm and aortic dissection (TAAD). Also called: Thoracic aortic aneurysms and dissections. Identifiers: Orphanet 91387, MedGen C4707243, MONDO:0019625.
Marfan syndrome (MFS). Also called: Marfan syndrome type 1; Marfan syndrome, classic; Marfan's syndrome; FBN1-Related Marfan Syndrome; MARFAN SYNDROME, TYPE I. Identifiers: Orphanet 284963, Orphanet 558, MedGen C0024796, MONDO:0007947, OMIM 154700.
Marfan Syndrome/Loeys-Dietz Syndrome/Familial Thoracic Aortic Aneurysms and Dissections. Identifiers: MedGen CN229799.
FBN1-related disorder. Also called: FBN1-related disorders.

Submissions (4):

Labcorp Genetics (formerly Invitae), Labcorp
Classification: Uncertain significance for Marfan syndrome; Familial thoracic aortic aneurysm and aortic dissection. Last evaluated: 2025-12-01. Review status: criteria provided, single submitter. Criteria: Invitae Variant Classification Sherloc (09022015). Collection method: clinical testing. Allele origin: germline.
Comment: This sequence change replaces aspartic acid, which is acidic and polar, with glycine, which is neutral and non-polar, at codon 1070 of the FBN1 protein (p.Asp1070Gly). This variant is not present in population databases (gnomAD no frequency). This missense change has been observed in individual(s) with Marfan syndrome (PMID: 19293843, 29768367). In at least one individual the variant was observed to be de novo. ClinVar contains an entry for this variant (Variation ID: 549141). An algorithm developed to predict the effect of missense changes on protein structure and function (PolyPhen-2) suggests that this variant is likely to be disruptive. RNA analysis performed to evaluate the impact of this missense change on mRNA splicing indicates it does not significantly alter splicing (PMID: 20132243). In summary, the available evidence is currently insufficient to determine the role of this variant in disease. Therefore, it has been classified as a Variant of Uncertain Significance.

Blueprint Genetics
Classification: Likely pathogenic for FBN1-related disorders. Last evaluated: 2024-04-16. Review status: criteria provided, single submitter. Criteria: ACMG Guidelines, 2015. Collection method: clinical testing. Allele origin: germline. Affected: yes. Observed: 1 variant allele.

Women's Health and Genetics/Laboratory Corporation of America, LabCorp
Classification: Likely pathogenic for Marfan Syndrome/Loeys-Dietz Syndrome/Familial Thoracic Aortic Aneurysms and Dissections. Last evaluated: 2023-08-09. Review status: criteria provided, single submitter. Criteria: LabCorp Variant Classification Summary - May 2015. Collection method: clinical testing. Allele origin: germline.
Comment: Variant summary: FBN1 c.3209A>G (p.Asp1070Gly) results in a non-conservative amino acid change located in the EGF-like domain (IPR000742) of the encoded protein sequence. Five of five in-silico tools predict a damaging effect of the variant on protein function. 4/4 computational tools predict no significant impact on normal splicing, and one functional study provides evidence that this variant does not lead to aberrant splicing (e.g. Chao_2010). The variant was absent in 251454 control chromosomes. c.3209A>G has been reported in the literature in individuals affected with Marfan Syndrome, including one individual in whom the variant was reported as de novo (e.g. Matyas_2002, Stheneur_2009, Stheneur_2011, Seo_2018). These data indicate that the variant is likely be associated with disease. To our knowledge, no experimental evidence demonstrating an impact on protein function has been reported. The following publications have been ascertained in the context of this evaluation (PMID: 20132243, 11933199, 29768367, 19293843, 21135753). One submitter has cited clinical-significance assessments for this variant to ClinVar after 2014 and has classified the variant as likely pathogenic. Based on the evidence outlined above, the variant was classified as likely pathogenic.

Center for Medical Genetics Ghent, University of Ghent
Classification: Likely pathogenic for Marfan syndrome. Last evaluated: 2017-11-07. Review status: no assertion criteria provided. Collection method: clinical testing. Allele origin: de novo. Affected: yes. Not counted in ClinVar's aggregate classification.

Literature cited by the submitters: PubMed 19293843 (cited by Labcorp Genetics (formerly Invitae), Labcorp and Women's Health and Genetics/Laboratory Corporation of America, LabCorp); PubMed 29768367 (cited by Labcorp Genetics (formerly Invitae), Labcorp and Women's Health and Genetics/Laboratory Corporation of America, LabCorp); PubMed 20132243 (cited by Labcorp Genetics (formerly Invitae), Labcorp and Women's Health and Genetics/Laboratory Corporation of America, LabCorp); PubMed 11933199 (cited by Women's Health and Genetics/Laboratory Corporation of America, LabCorp); PubMed 21135753 (cited by Women's Health and Genetics/Laboratory Corporation of America, LabCorp).

NM_000138.5(FBN1):c.3209A>G (p.Asp1070Gly)

Gene: FBN1 (fibrillin 1; minus strand). Cytogenetic location: 15q21.1.
Variant type: single nucleotide variant.
Coding change: c.3209A>G on transcript NM_000138.5 (MANE Select); coding-DNA position 3209, A replaced by G.
Protein change: p.Asp1070Gly; replaces aspartic acid 1070 with glycine.
Molecular consequence: missense variant.
Genome position (GRCh38, 1-based): chr15:48,488,241, T>C on the plus strand (A>G on the coding strand, the complement: FBN1 is on the minus strand). VCF-style: chr15-48488241-T-C. GRCh37 (hg19) VCF-style: chr15-48780438-T-C.
Other names: short protein forms D1070G.
Identifiers: ClinVar variation 549141 (VCV000549141.4), dbSNP rs1555398648, ClinGen allele CA392327765.